The following is an entry in ClinVar:

NM_015338.6(ASXL1):c.3946C>T (p.Arg1316Cys)

Gene: ASXL1 (ASXL transcriptional regulator 1; plus strand). Cytogenetic location: 20q11.21.
Variant type: single nucleotide variant.
Coding change: c.3946C>T on transcript NM_015338.6 (MANE Select); coding-DNA position 3946, C replaced by T.
Protein change: p.Arg1316Cys; replaces arginine 1316 with cysteine.
Molecular consequence: missense variant.
Genome position (GRCh38, 1-based): chr20:32,436,658, C>T. VCF-style: chr20-32436658-C-T. GRCh37 (hg19) VCF-style: chr20-31024461-C-T.
Other names: c.3763C>T, p.Arg1255Cys (NM_001363734.1); short protein forms R1316C, R1255C.
Identifiers: ClinVar variation 2166142 (VCV002166142.4), dbSNP rs773951405, ClinGen allele CA9808929.

ClinVar aggregate classification (germline): Uncertain significance (1 of 4 stars; one submission).

Allele frequency attached by ClinVar (database versions not stated): ExAC 0.00001; gnomAD 0.00002; TOPMed 0.00003.

Submission:

Labcorp Genetics (formerly Invitae), Labcorp
Classification: Uncertain significance. Last evaluated: 2025-09-02. Review status: criteria provided, single submitter. Criteria: Invitae Variant Classification Sherloc (09022015). Collection method: clinical testing. Allele origin: germline.
Comment: This sequence change replaces arginine, which is basic and polar, with cysteine, which is neutral and slightly polar, at codon 1316 of the ASXL1 protein (p.Arg1316Cys). This variant is present in population databases (rs773951405, gnomAD 0.006%). This variant has not been reported in the literature in individuals affected with ASXL1-related conditions. ClinVar contains an entry for this variant (Variation ID: 2166142). An algorithm developed to predict the effect of missense changes on protein structure and function outputs the following: PolyPhen-2: "Benign". The cysteine amino acid residue is found in multiple mammalian species, which suggests that this missense change does not adversely affect protein function. In summary, the available evidence is currently insufficient to determine the role of this variant in disease. Therefore, it has been classified as a Variant of Uncertain Significance.